The following is an entry in ClinVar:

NM_000059.4(BRCA2):c.4195T>C (p.Cys1399Arg)

Gene: BRCA2 (BRCA2 DNA repair associated; plus strand). Cytogenetic location: 13q13.1.
Variant type: single nucleotide variant.
Coding change: c.4195T>C on transcript NM_000059.4 (MANE Select); coding-DNA position 4195, T replaced by C.
Protein change: p.Cys1399Arg; replaces cysteine 1399 with arginine.
Molecular consequence: missense variant.
Genome position (GRCh38, 1-based): chr13:32,338,550, T>C. VCF-style: chr13-32338550-T-C. GRCh37 (hg19) VCF-style: chr13-32912687-T-C.
Other names: p.C1399R:TGT>CGT; short protein forms C1399R.
Identifiers: ClinVar variation 182207 (VCV000182207.17), dbSNP rs730881530, ClinGen allele CA019706.
Genomic context (GRCh38, chr13:32,338,550, plus strand): 5'-CAGATTAAAGAAGATTTGTCAGATTTAACTTTTTTGGAAGTTGCGAAAGCTCAAGAAGCA[T>C]GTCATGGTAATACTTCAAATAAAGAACAGTTAACTGCTACTAAAACGGAGCAAAATATAA-3'
Protein context (NP_000050.3, residues 1389-1409): FLEVAKAQEA[Cys1399Arg]HGNTSNKEQL

ClinVar aggregate classification (germline): Conflicting classifications of pathogenicity. Review status: criteria provided, conflicting classifications (1 of 4 stars). 4 submissions from 4 submitters: Uncertain significance (2); Likely benign (2). Last evaluated 2023-11-29.

Conditions:
Hereditary cancer-predisposing syndrome. Also called: Tumor predisposition; Hereditary Cancer Syndrome; Hereditary neoplastic syndrome; Neoplastic Syndromes, Hereditary. Identifiers: Orphanet 140162, MedGen C0027672, MeSH D009386, MONDO:0015356.
Hereditary breast ovarian cancer syndrome. Also called: Breast and ovarian cancer; Hereditary breast and ovarian cancer; Hereditary breast and/or ovarian cancer syndrome; BRCA1- and BRCA2-Associated Hereditary Breast and Ovarian Cancer; Hereditary breast and ovarian cancer syndrome (HBOC); Hereditary breast and ovarian cancer syndrome. Identifiers: Orphanet 145, MedGen C0677776, MeSH D061325, MONDO:0003582. Disease mechanism: loss of function.

Submissions (4):

Ambry Genetics
Classification: Likely benign for Hereditary cancer-predisposing syndrome. Last evaluated: 2023-11-29. Review status: criteria provided, single submitter. Criteria: Ambry Variant Classification Scheme 2023. Collection method: clinical testing. Allele origin: germline.

University of Washington Department of Laboratory Medicine, University of Washington
Classification: Likely benign for Hereditary cancer-predisposing syndrome. Last evaluated: 2023-03-23. Review status: criteria provided, single submitter. Criteria: Dines et al. (Genet Med. 2020). Collection method: curation. Allele origin: germline.
Comment: Missense variant in a coldspot region where missense variants are very unlikely to be pathogenic (PMID:31911673).

BRCA2 exon 11 coldspot. Reclassification based on statistical prior probability.

Labcorp Genetics (formerly Invitae), Labcorp
Classification: Uncertain significance for Hereditary breast ovarian cancer syndrome. Last evaluated: 2022-04-12. Review status: criteria provided, single submitter. Criteria: Invitae Variant Classification Sherloc (09022015). Collection method: clinical testing. Allele origin: germline.
Comment: Advanced modeling of protein sequence and biophysical properties (such as structural, functional, and spatial information, amino acid conservation, physicochemical variation, residue mobility, and thermodynamic stability) performed at Invitae indicates that this missense variant is not expected to disrupt BRCA2 protein function. This sequence change replaces cysteine, which is neutral and slightly polar, with arginine, which is basic and polar, at codon 1399 of the BRCA2 protein (p.Cys1399Arg). This variant is not present in population databases (gnomAD no frequency). This missense change has been observed in individual(s) with breast cancer (PMID: 30287823). ClinVar contains an entry for this variant (Variation ID: 182207). In summary, the available evidence is currently insufficient to determine the role of this variant in disease. Therefore, it has been classified as a Variant of Uncertain Significance.

GeneDx
Classification: Uncertain significance. Last evaluated: 2014-08-08. Review status: criteria provided, single submitter. Criteria: GeneDx Variant Classification (06012015). Collection method: clinical testing. Allele origin: germline. Affected: yes.
Comment: This variant is denoted BRCA2 c.4195T>C at the cDNA level, p.Cys1399Arg (C1399R) at the protein level, and results in the change of a Cysteine to an Arginine (TGT>CGT). This variant has not, to our knowledge, been published in the literature as pathogenic or benign. BRCA2 Cys1399Arg was not observed in approximately 6,500 individuals of European and African American ancestry in the NHLBI Exome Sequencing Project, indicating it is not a common benign variant in these populations. Since Cysteine and Arginine differ in polarity, charge, size or other properties, this is considered a non-conservative amino acid substitution. BRCA2 Cys1399Arg occurs at a position that is variable across vertebrates and is located within a region that interacts with POLH and RAD51 (UniProt, Roy 2012). In silico analyses predict that this variant is unlikely to alter protein structure or function. Based on currently available information, it is unclear whether BRCA2 Cys1399Arg is pathogenic or benign. We consider it to be a variant of uncertain significance.

Literature cited by the submitters: PubMed 30287823 (cited by Labcorp Genetics (formerly Invitae), Labcorp).